The following is an entry in ClinVar:

ClinVar aggregate classification (germline): Conflicting classifications of pathogenicity. Review status: criteria provided, conflicting classifications (1 of 4 stars). 8 submissions from 8 submitters: Uncertain significance (7); Likely benign (1). Last evaluated 2025-08-10.

Conditions:
Inborn genetic diseases. Identifiers: MedGen C0950123, MeSH D030342.
Retinitis pigmentosa 1 (RP1). Identifiers: Orphanet 791, MedGen C0220701, MONDO:0008377, OMIM 180100.

Allele frequency attached by ClinVar (database versions not stated): gnomAD 0.00003; TOPMed 0.00004; ESP Exome Variant Server 0.00008.
gnomAD v4.1: 94 of 1,613,408 alleles (0.0058%); highest among the groups gnomAD compares: Middle Eastern, 0.099%; no homozygotes.

Submissions (8):

Ambry Genetics
Classification: Uncertain significance for Inborn genetic diseases. Last evaluated: 2025-08-10. Review status: criteria provided, single submitter. Criteria: Ambry Variant Classification Scheme 2023. Collection method: clinical testing. Allele origin: germline.

Labcorp Genetics (formerly Invitae), Labcorp
Classification: Uncertain significance. Last evaluated: 2025-08-06. Review status: criteria provided, single submitter. Criteria: Invitae Variant Classification Sherloc (09022015). Collection method: clinical testing. Allele origin: germline.
Comment: This sequence change replaces alanine, which is neutral and non-polar, with threonine, which is neutral and polar, at codon 906 of the RP1 protein (p.Ala906Thr). This variant is present in population databases (rs201538234, gnomAD 0.2%). This variant has not been reported in the literature in individuals affected with RP1-related conditions. ClinVar contains an entry for this variant (Variation ID: 167603). An algorithm developed to predict the effect of missense changes on protein structure and function (PolyPhen-2) suggests that this variant is likely to be tolerated. In summary, the available evidence is currently insufficient to determine the role of this variant in disease. Therefore, it has been classified as a Variant of Uncertain Significance.

Blueprint Genetics
Classification: Likely benign. Last evaluated: 2024-10-30. Review status: criteria provided, single submitter. Criteria: ACMG Guidelines, 2015. Collection method: clinical testing. Allele origin: germline.

Department of Pathology and Laboratory Medicine, Sinai Health System
Classification: Uncertain significance for Retinitis pigmentosa 1. Last evaluated: 2020-05-24. Review status: criteria provided, single submitter. Criteria: ACMG Guidelines, 2015. Collection method: research. Allele origin: germline.

Fulgent Genetics
Classification: Uncertain significance for Retinitis pigmentosa 1. Last evaluated: 2018-10-31. Review status: criteria provided, single submitter. Criteria: ACMG Guidelines, 2015. Collection method: clinical testing. Allele origin: unknown.

ARUP Laboratories, Molecular Genetics and Genomics, ARUP Laboratories
Classification: Uncertain significance. Last evaluated: 2018-06-23. Review status: criteria provided, single submitter. Criteria: ARUP Molecular Germline Variant Investigation Process. Collection method: clinical testing. Allele origin: germline.
Comment: The RP1 c.2716G>A; p.Ala906Thr variant (rs201538234), to our knowledge, is not reported in the medical literature. The variant is reported in the ClinVar database (Variation ID: 167603) and in the general population with an overall allele frequency of 0.01% (29/276206 alleles) in the Genome Aggregation Database. The alanine at codon 906 is weakly conserved but computational analyses predict this variant is deleterious. Considering available information, there is insufficient evidence to classify this variant with certainty. Pathogenic RP1 variants are causative for autosomal dominant or recessive retinitis pigmentosa (MIM: 180100).

Eurofins Ntd Llc (ga)
Classification: Uncertain significance. Last evaluated: 2014-04-27. Review status: criteria provided, single submitter. Criteria: EGL Classification Definitions 2015. Collection method: clinical testing. Allele origin: germline. Observed: 1 variant allele, 1 heterozygote.

Breakthrough Genomics
Classification: Uncertain significance. Review status: criteria provided, single submitter. Criteria: ACMG Guidelines, 2015. Collection method: not provided. Allele origin: germline. Inheritance: Autosomal recessive inheritance. Affected: yes.

NM_006269.2(RP1):c.2716G>A (p.Ala906Thr)

Gene: RP1 (RP1 axonemal microtubule associated; plus strand). Cytogenetic location: 8q12.1.
Variant type: single nucleotide variant.
Coding change: c.2716G>A on transcript NM_006269.2 (MANE Select); coding-DNA position 2716, G replaced by A.
Protein change: p.Ala906Thr; replaces alanine 906 with threonine.
Molecular consequence: missense variant.
Genome position (GRCh38, 1-based): chr8:54,626,598, G>A. VCF-style: chr8-54626598-G-A. GRCh37 (hg19) VCF-style: chr8-55539158-G-A.
Other names: short protein forms A906T.
Identifiers: ClinVar variation 167603 (VCV000167603.25), dbSNP rs201538234, ClinGen allele CA234801.
Genomic context (GRCh38, chr8:54,626,598, plus strand): 5'-CAACATGCTACAACCAGGGCAAATTCTTTAGCTTCTTTGAAAAAACCTGATTTTCCTGAG[G>A]CTATTGCTCATCATTCAATTCAAAATTATATACAGAGTTGGTTGCAGAACATAAATCCAT-3'
Protein context (NP_006260.1, residues 896-916): ASLKKPDFPE[Ala906Thr]IAHHSIQNYI